The following is an entry in ClinVar:

ClinVar aggregate classification (germline): Likely pathogenic (1 of 4 stars; one submission).

Conditions:
Bethlem myopathy 2 (BTHLM2). Identifiers: Orphanet 536516, Orphanet 610, MedGen C4225313, MONDO:0034022, OMIM 616471.

Submission:

MGZ Medical Genetics Center
Classification: Likely pathogenic for Bethlem myopathy 2. Last evaluated: 2022-02-14. Review status: criteria provided, single submitter. Criteria: ACMG Guidelines, 2015. Collection method: clinical testing. Allele origin: germline. Affected: yes. Observed: 1 variant allele.
Comment: ACMG criteria applied: PVS1, PM2_SUP

NM_004370.6(COL12A1):c.7697+1G>C

Gene: COL12A1 (collagen type XII alpha 1 chain; minus strand). Cytogenetic location: 6q13.
Variant type: single nucleotide variant.
Coding change: c.7697+1G>C on transcript NM_004370.6 (MANE Select); the canonical splice donor site of the intron after coding-DNA position 7697, G replaced by C.
Molecular consequence: splice donor variant.
Genome position (GRCh38, 1-based): chr6:75,115,783, C>G on the plus strand (G>C on the coding strand, the complement: COL12A1 is on the minus strand). VCF-style: chr6-75115783-C-G. GRCh37 (hg19) VCF-style: chr6-75825499-C-G.
Other names: c.4205+1G>C (NM_080645.3).
Identifiers: ClinVar variation 1709218 (VCV001709218.2), dbSNP rs1178118885, ClinGen allele CA364744749.